The following is an entry in ClinVar:

ClinVar aggregate classification (germline): Pathogenic. Review status: criteria provided, multiple submitters, no conflicts (2 of 4 stars). 3 submissions from 3 submitters: Pathogenic (2). 1 of the submissions does not count toward it. Last evaluated 2024-11-06.

Conditions:
LAMA2-related muscular dystrophy (LAMA2-RD). Also called: Laminin alpha 2-related dystrophy. Identifiers: MedGen C5679788, MONDO:0100228.
LAMA2-related disorder. Also called: LAMA2-related disorders; LAMA2-related condition.
Merosin deficient congenital muscular dystrophy (MDC1A). Also called: Congenital merosin-deficient muscular dystrophy 1A; Congenital Muscular Dystrophy Type 1A (MDC1A). Identifiers: Orphanet 258, MedGen C1263858, MONDO:0011925, OMIM 607855.

Allele frequency attached by ClinVar (database versions not stated): TOPMed below 0.00001; ExAC 0.00001; ESP Exome Variant Server 0.00008.
gnomAD v4.1: 2 of 1,614,006 alleles (0.00012%); highest among the groups gnomAD compares: Non-Finnish European, 0.000085%; no homozygotes.

Submissions (3):

Blueprint Genetics
Classification: Pathogenic for LAMA2-related disorders. Last evaluated: 2024-11-06. Review status: criteria provided, single submitter. Criteria: ACMG Guidelines, 2015. Collection method: clinical testing. Allele origin: germline. Affected: yes. Observed: 3 variant alleles.

Labcorp Genetics (formerly Invitae), Labcorp
Classification: Pathogenic for LAMA2-related muscular dystrophy. Last evaluated: 2024-02-24. Review status: criteria provided, single submitter. Criteria: Invitae Variant Classification Sherloc (09022015). Collection method: clinical testing. Allele origin: germline.
Comment: This sequence change creates a premature translational stop signal (p.Arg1095*) in the LAMA2 gene. It is expected to result in an absent or disrupted protein product. Loss-of-function variants in LAMA2 are known to be pathogenic (PMID: 18700894, 32904964). This variant is not present in population databases (gnomAD no frequency). This premature translational stop signal has been observed in individual(s) with congenital muscular dystrophy (PMID: 24611677). In at least one individual the data is consistent with being in trans (on the opposite chromosome) from a pathogenic variant. ClinVar contains an entry for this variant (Variation ID: 556040). For these reasons, this variant has been classified as Pathogenic.

Counsyl
Classification: Likely pathogenic for Merosin deficient congenital muscular dystrophy. Last evaluated: 2018-01-09. Review status: no assertion criteria provided. Collection method: clinical testing. Allele origin: unknown. Not counted in ClinVar's aggregate classification.

Literature cited by the submitters: PubMed 18700894 (cited by Labcorp Genetics (formerly Invitae), Labcorp); PubMed 32904964 (cited by Labcorp Genetics (formerly Invitae), Labcorp); PubMed 24611677 (cited by Labcorp Genetics (formerly Invitae), Labcorp and Counsyl).

NM_000426.4(LAMA2):c.3283C>T (p.Arg1095Ter)

Gene: LAMA2 (laminin subunit alpha 2; plus strand). Cytogenetic location: 6q22.33.
Variant type: single nucleotide variant.
Coding change: c.3283C>T on transcript NM_000426.4 (MANE Select); coding-DNA position 3283, C replaced by T.
Protein change: p.Arg1095Ter; replaces arginine 1095 with a stop codon.
Molecular consequence: nonsense.
Genome position (GRCh38, 1-based): chr6:129,312,969, C>T. VCF-style: chr6-129312969-C-T. GRCh37 (hg19) VCF-style: chr6-129634114-C-T.
Other names: c.3283C>T, p.Arg1095Ter (NM_001079823.2); short protein forms R1095*.
Identifiers: ClinVar variation 556040 (VCV000556040.13), dbSNP rs376088608, ClinGen allele CA3993224.